The following is an entry in ClinVar:

ClinVar aggregate classification (germline): Uncertain significance. Review status: criteria provided, multiple submitters, no conflicts (2 of 4 stars). 2 submissions from 2 submitters: Uncertain significance (2). Last evaluated 2024-10-24.

Conditions:
Developmental and epileptic encephalopathy, 30 (DEE30). Also called: Epileptic encephalopathy, early infantile, 30. Identifiers: MedGen C4225360, MONDO:0014595, OMIM 616341.

Submissions (2):

Blueprint Genetics
Classification: Uncertain significance. Last evaluated: 2024-10-24. Review status: criteria provided, single submitter. Criteria: ACMG Guidelines, 2015. Collection method: clinical testing. Allele origin: germline.

Labcorp Genetics (formerly Invitae), Labcorp
Classification: Uncertain significance for Developmental and epileptic encephalopathy, 30. Last evaluated: 2022-08-01. Review status: criteria provided, single submitter. Criteria: Invitae Variant Classification Sherloc (09022015). Collection method: clinical testing. Allele origin: germline.
Comment: This variant has not been reported in the literature in individuals affected with SIK1-related conditions. In summary, the available evidence is currently insufficient to determine the role of this variant in disease. Therefore, it has been classified as a Variant of Uncertain Significance. Advanced modeling of protein sequence and biophysical properties (such as structural, functional, and spatial information, amino acid conservation, physicochemical variation, residue mobility, and thermodynamic stability) performed at Invitae indicates that this missense variant is not expected to disrupt SIK1 protein function. This variant is not present in population databases (gnomAD no frequency). This sequence change replaces glycine, which is neutral and non-polar, with cysteine, which is neutral and slightly polar, at codon 640 of the SIK1 protein (p.Gly640Cys).

NM_173354.5(SIK1):c.1918G>T (p.Gly640Cys)

Gene: SIK1 (salt inducible kinase 1; minus strand). Cytogenetic location: 21q22.3.
Variant type: single nucleotide variant.
Coding change: c.1918G>T on transcript NM_173354.5 (MANE Select); coding-DNA position 1918, G replaced by T.
Protein change: p.Gly640Cys; replaces glycine 640 with cysteine.
Molecular consequence: missense variant.
Genome position (GRCh38, 1-based): chr21:43,417,601, C>A on the plus strand (G>T on the coding strand, the complement: SIK1 is on the minus strand). VCF-style: chr21-43417601-C-A. GRCh37 (hg19) VCF-style: chr21-44837481-C-A.
Other names: short protein forms G640C.
Identifiers: ClinVar variation 2057724 (VCV002057724.5), dbSNP rs763499196, ClinGen allele CA410607038.